The following is an entry in ClinVar:

ClinVar aggregate classification (germline): Pathogenic (1 of 4 stars; one submission).

Conditions:
Pontocerebellar hypoplasia type 1A (PCH1A). Also called: PONTOCEREBELLAR HYPOPLASIA WITH ANTERIOR HORN CELL DISEASE; PONTOCEREBELLAR HYPOPLASIA WITH INFANTILE SPINAL MUSCULAR ATROPHY. Identifiers: Orphanet 2254, Orphanet 88616, MedGen C1843504, MONDO:0011866, OMIM 607596.

Submission:

Myriad Genetics, Inc.
Classification: Pathogenic for Pontocerebellar hypoplasia type 1A. Last evaluated: 2025-10-04. Review status: criteria provided, single submitter. Criteria: Myriad Autosomal Dominant, Autosomal Recessive and X-Linked Classification Criteria (2023). Collection method: clinical testing. Allele origin: unknown.
Comment: NM_003384.2(VRK1):c.230delA(N77Mfs*8) is expected to be pathogenic in the context of pontocerebellar hypoplasia, VRK1-related. This variant is predicted to lead to an abnormal or absent protein product due to the creation of a premature termination codon in VRK1, a gene where loss-of-function variants are known to be pathogenic. Please note: this variant was assessed in the context of healthy population screening.

NM_003384.3(VRK1):c.230del (p.Asn77fs)

Gene: VRK1 (VRK serine/threonine kinase 1; plus strand). Cytogenetic location: 14q32.2.
Variant type: Deletion.
Coding change: c.230del on transcript NM_003384.3 (MANE Select); coding-DNA position 230, one base deleted (A; older notation c.230delA).
Protein change: p.Asn77fs; shifts the reading frame from asparagine 77.
Molecular consequence: frameshift variant.
Genome position (GRCh38, 1-based): chr14:96,846,108, A deleted; the last of 2 consecutive A bases (chr14:96,846,107-96,846,108); deleting either gives the same sequence. VCF-style (leftmost placement, unchanged base first): chr14-96846106-CA-C. GRCh37 (hg19) VCF-style: chr14-97312443-CA-C.
Other names: c.230del, p.Asn77fs (NM_001411051.1, NM_001411053.1); short protein forms N77fs.
Identifiers: ClinVar variation 5015045 (VCV005015045.1).
Genomic context (GRCh38, chr14:96,846,106, plus strand): 5'-CTCAGTAATTTTAACTACTGCTAGTACTAATTAACTCTTATATTTTAAGGAACCCAGTGA[CA>C]ATGGACCTCTTTTTACTGAATTAAAGTTCTACCAACGAGCTGCAAAACCAGAGCAAAGTA-3'